The following is an entry in ClinVar:

ClinVar aggregate classification (germline): Uncertain significance. Review status: criteria provided, multiple submitters, no conflicts (2 of 4 stars). 3 submissions from 3 submitters: Uncertain significance (2). 1 of the submissions does not count toward it. Last evaluated 2025-06-06.

Conditions:
Hereditary cancer-predisposing syndrome. Also called: Tumor predisposition; Hereditary neoplastic syndrome; Neoplastic Syndromes, Hereditary; Hereditary Cancer Syndrome. Identifiers: Orphanet 140162, MedGen C0027672, MeSH D009386, MONDO:0015356.
Ataxia-telangiectasia syndrome (AT). Also called: ATAXIA-TELANGIECTASIA, COMPLEMENTATION GROUP A; ATAXIA-TELANGIECTASIA, FRESNO VARIANT; Ataxia-telangiectasia; Ataxia-telangiectasia, complementation group D; AT, COMPLEMENTATION GROUP C; Ataxia-telangiectasia, complementation group E. Identifiers: Orphanet 100, MedGen C0004135, MONDO:0008840, OMIM 208900.

Allele frequency attached by ClinVar (database versions not stated): gnomAD exomes below 0.00001; TOPMed below 0.00001.
gnomAD v4.1: 1 of 1,614,126 alleles (0.000062%); highest among the groups gnomAD compares: Non-Finnish European, 0.000085%; no homozygotes.

Submissions (3):

Ambry Genetics
Classification: Uncertain significance for Hereditary cancer-predisposing syndrome. Last evaluated: 2025-06-06. Review status: criteria provided, single submitter. Criteria: Ambry Variant Classification Scheme 2023. Collection method: clinical testing. Allele origin: germline.
Comment: The p.S677G variant (also known as c.2029A>G), located in coding exon 12 of the ATM gene, results from an A to G substitution at nucleotide position 2029. The serine at codon 677 is replaced by glycine, an amino acid with similar properties. This alteration has been reported in at least one breast cancer patient in a study of 13087 breast cancer cases and 5488 control individuals in the UK (Decker B et al. J Med Genet, 2017 11;54:732-741). This amino acid position is not well conserved in available vertebrate species. In addition, this alteration is predicted to be tolerated by in silico analysis. Since supporting evidence is limited at this time, the clinical significance of this alteration remains unclear.

Labcorp Genetics (formerly Invitae), Labcorp
Classification: Uncertain significance for Ataxia-telangiectasia syndrome. Last evaluated: 2022-08-17. Review status: criteria provided, single submitter. Criteria: Invitae Variant Classification Sherloc (09022015). Collection method: clinical testing. Allele origin: germline.
Comment: This sequence change replaces serine, which is neutral and polar, with glycine, which is neutral and non-polar, at codon 677 of the ATM protein (p.Ser677Gly). This variant is not present in population databases (gnomAD no frequency). This variant has not been reported in the literature in individuals affected with ATM-related conditions. ClinVar contains an entry for this variant (Variation ID: 990353). Advanced modeling of protein sequence and biophysical properties (such as structural, functional, and spatial information, amino acid conservation, physicochemical variation, residue mobility, and thermodynamic stability) performed at Invitae indicates that this missense variant is not expected to disrupt ATM protein function. In summary, the available evidence is currently insufficient to determine the role of this variant in disease. Therefore, it has been classified as a Variant of Uncertain Significance.

Natera, Inc.
Classification: Uncertain significance for Ataxia-telangiectasia. Last evaluated: 2020-04-16. Review status: no assertion criteria provided. Collection method: clinical testing. Allele origin: germline. Not counted in ClinVar's aggregate classification.

Literature cited by the submitters: PubMed 28779002 (cited by Ambry Genetics).

NM_000051.4(ATM):c.2029A>G (p.Ser677Gly)

Gene: ATM (ATM serine/threonine kinase; plus strand). Cytogenetic location: 11q22.3.
Variant type: single nucleotide variant.
Coding change: c.2029A>G on transcript NM_000051.4 (MANE Select); coding-DNA position 2029, A replaced by G.
Protein change: p.Ser677Gly; replaces serine 677 with glycine.
Molecular consequence: missense variant.
Genome position (GRCh38, 1-based): chr11:108,253,944, A>G. VCF-style: chr11-108253944-A-G. GRCh37 (hg19) VCF-style: chr11-108124671-A-G.
Other names: c.2029A>G, p.Ser677Gly (NM_001351834.2); c.2029A>G (NM_000051.3); short protein forms S677G.
Identifiers: ClinVar variation 990353 (VCV000990353.10), dbSNP rs568026188, ClinGen allele CA228393641.